The following is an entry in ClinVar:

ClinVar aggregate classification (germline): Likely benign. Review status: criteria provided, multiple submitters, no conflicts (2 of 4 stars). 3 submissions from 3 submitters: Likely benign (2). 1 of the submissions does not count toward it. Last evaluated 2024-02-24.

Conditions:
NOTCH1-related disorder. Also called: NOTCH1-related condition; NOTCH1-related disorders.
Adams-Oliver syndrome 5 (AOS5). Identifiers: Orphanet 974, MedGen C4014970, MONDO:0014459, OMIM 616028.

Allele frequency attached by ClinVar (database versions not stated): gnomAD exomes below 0.00001 and 0.00001; ExAC 0.00002; gnomAD 0.00003; TOPMed 0.00004.
gnomAD v4.1: 5 of 1,612,596 alleles (0.00031%); highest among the groups gnomAD compares: African/African-American, 0.0067%; no homozygotes.

Submissions (3):

Labcorp Genetics (formerly Invitae), Labcorp
Classification: Likely benign for Adams-Oliver syndrome 5. Last evaluated: 2024-02-24. Review status: criteria provided, single submitter. Criteria: Invitae Variant Classification Sherloc (09022015). Collection method: clinical testing. Allele origin: germline.

Blueprint Genetics
Classification: Likely benign. Last evaluated: 2019-11-08. Review status: criteria provided, single submitter. Criteria: ACMG Guidelines, 2015. Collection method: clinical testing. Allele origin: germline.

PreventionGenetics, part of Exact Sciences
Classification: Likely benign for NOTCH1-related condition. Last evaluated: 2022-11-05. Review status: no assertion criteria provided. Collection method: clinical testing. Allele origin: germline. Not counted in ClinVar's aggregate classification.
Comment: This variant is classified as likely benign based on ACMG/AMP sequence variant interpretation guidelines (Richards et al. 2015 PMID: 25741868, with internal and published modifications).

NM_017617.5(NOTCH1):c.5019C>G (p.Gly1673=)

Gene: NOTCH1 (notch receptor 1; minus strand). Cytogenetic location: 9q34.3.
Variant type: single nucleotide variant.
Coding change: c.5019C>G on transcript NM_017617.5 (MANE Select); coding-DNA position 5019, C replaced by G.
Protein change: p.Gly1673=; no amino-acid change (glycine 1673 retained).
Molecular consequence: synonymous variant.
Genome position (GRCh38, 1-based): chr9:136,503,330, G>C on the plus strand (C>G on the coding strand, the complement: NOTCH1 is on the minus strand). VCF-style: chr9-136503330-G-C. GRCh37 (hg19) VCF-style: chr9-139397782-G-C.
Other names: c.5019C>G (NM_017617.4).
Identifiers: ClinVar variation 861742 (VCV000861742.12), dbSNP rs754785324, ClinGen allele CA5340455.